The following is an entry in ClinVar:

ClinVar aggregate classification (germline): Uncertain significance (1 of 4 stars; one submission).

Conditions:
Hereditary spastic paraplegia 50 (SPG50). Also called: Spastic paraplegia 50, autosomal recessive. Identifiers: Orphanet 280763, MedGen C2752008, MONDO:0013048, OMIM 612936.

Allele frequency attached by ClinVar (database versions not stated): TOPMed below 0.00001; gnomAD 0.00001; gnomAD exomes 0.00001 and 0.00002; 1000 Genomes Project 30x 0.00016; 1000 Genomes Project 0.00020.
gnomAD v4.1: 7 of 1,614,008 alleles (0.00043%); highest among the groups gnomAD compares: East Asian, 0.0089%; no homozygotes.

Submission:

Labcorp Genetics (formerly Invitae), Labcorp
Classification: Uncertain significance for Hereditary spastic paraplegia 50. Last evaluated: 2025-08-17. Review status: criteria provided, single submitter. Criteria: Invitae Variant Classification Sherloc (09022015). Collection method: clinical testing. Allele origin: germline.
Comment: This sequence change replaces valine, which is neutral and non-polar, with isoleucine, which is neutral and non-polar, at codon 122 of the AP4M1 protein (p.Val122Ile). This variant is present in population databases (rs572732241, gnomAD 0.006%). This variant has not been reported in the literature in individuals affected with AP4M1-related conditions. ClinVar contains an entry for this variant (Variation ID: 471066). Invitae Evidence Modeling of protein sequence and biophysical properties (such as structural, functional, and spatial information, amino acid conservation, physicochemical variation, residue mobility, and thermodynamic stability) indicates that this missense variant is not expected to disrupt AP4M1 protein function with a negative predictive value of 95%. In summary, the available evidence is currently insufficient to determine the role of this variant in disease. Therefore, it has been classified as a Variant of Uncertain Significance.

NM_004722.4(AP4M1):c.364G>A (p.Val122Ile)

Gene: AP4M1 (adaptor related protein complex 4 subunit mu 1; plus strand). Cytogenetic location: 7q22.1.
Variant type: single nucleotide variant.
Coding change: c.364G>A on transcript NM_004722.4 (MANE Select); coding-DNA position 364, G replaced by A.
Protein change: p.Val122Ile; replaces valine 122 with isoleucine.
Molecular consequence: missense variant.
Genome position (GRCh38, 1-based): chr7:100,103,421, G>A. VCF-style: chr7-100103421-G-A. GRCh37 (hg19) VCF-style: chr7-99701044-G-A.
Other names: c.385G>A, p.Val129Ile (NM_001363671.2); short protein forms V122I, V129I.
Identifiers: ClinVar variation 471066 (VCV000471066.8), dbSNP rs572732241, ClinGen allele CA163214634.